The following is an entry in ClinVar:

NM_001128840.3(CACNA1D):c.5984C>T (p.Pro1995Leu)

Gene: CACNA1D (calcium voltage-gated channel subunit alpha1 D; plus strand). Cytogenetic location: 3p21.1.
Variant type: single nucleotide variant.
Coding change: c.5984C>T on transcript NM_001128840.3 (MANE Select); coding-DNA position 5984, C replaced by T.
Protein change: p.Pro1995Leu; replaces proline 1995 with leucine.
Molecular consequence: missense variant.
Genome position (GRCh38, 1-based): chr3:53,810,090, C>T. VCF-style: chr3-53810090-C-T. GRCh37 (hg19) VCF-style: chr3-53844117-C-T.
Other names: c.6044C>T, p.Pro2015Leu (NM_000720.4); c.5912C>T, p.Pro1971Leu (NM_001128839.3); short protein forms P1971L, P1995L, P2015L.
Identifiers: ClinVar variation 1406394 (VCV001406394.8), dbSNP rs780303719, ClinGen allele CA2455336.
Genomic context (GRCh38, chr3:53,810,090, plus strand): 5'-GTCACTCGACCCGGTCGTGGGCCACCCCTCCAGCAACCCCTCCCTACCGGGACTGGACAC[C>T]GTGCTACACCCCCCTGATCCAAGTGGAGCAGTCAGAGGCCCTGGACCAGGTGAACGGCAG-3'
Protein context (NP_001122312.1, residues 1985-2005): PATPPYRDWT[Pro1995Leu]CYTPLIQVEQ

ClinVar aggregate classification (germline): Uncertain significance (1 of 4 stars; one submission).

Allele frequency attached by ClinVar (database versions not stated): TOPMed below 0.00001; ExAC 0.00002; gnomAD exomes 0.00002.
gnomAD v4.1: 16 of 1,613,940 alleles (0.00099%); highest among the groups gnomAD compares: African/African-American, 0.0013%; no homozygotes.

Submission:

Labcorp Genetics (formerly Invitae), Labcorp
Classification: Uncertain significance. Last evaluated: 2023-09-10. Review status: criteria provided, single submitter. Criteria: Invitae Variant Classification Sherloc (09022015). Collection method: clinical testing. Allele origin: germline.
Comment: Algorithms developed to predict the effect of missense changes on protein structure and function output the following: SIFT: "Not Available"; PolyPhen-2: "Probably Damaging"; Align-GVGD: "Not Available". The leucine amino acid residue is found in multiple mammalian species, which suggests that this missense change does not adversely affect protein function. In summary, the available evidence is currently insufficient to determine the role of this variant in disease. Therefore, it has been classified as a Variant of Uncertain Significance. ClinVar contains an entry for this variant (Variation ID: 1406394). This sequence change replaces proline, which is neutral and non-polar, with leucine, which is neutral and non-polar, at codon 2015 of the CACNA1D protein (p.Pro2015Leu). This variant is present in population databases (rs780303719, gnomAD 0.004%). This variant has not been reported in the literature in individuals affected with CACNA1D-related conditions.